The following is an entry in ClinVar:

ClinVar aggregate classification (germline): Benign/Likely benign. Review status: criteria provided, multiple submitters, no conflicts (2 of 4 stars). 3 submissions from 3 submitters: Benign (1); Likely benign (2). Last evaluated 2026-06-11.

Conditions:
Tumor predisposition syndrome 2 (TPDS2). Also called: MBD4-ASSOCIATED NEOPLASIA SYNDROME; MBD4-Related Tumor Predisposition Syndrome; MBD4-associated neoplasia syndrome (MANS). Identifiers: Orphanet 661526, MedGen C5774186, MONDO:0859267, OMIM 619975.
Inborn genetic diseases. Identifiers: MedGen C0950123, MeSH D030342.

Allele frequency attached by ClinVar (database versions not stated): gnomAD exomes 0.00001.
gnomAD v4.1: 3 of 1,614,158 alleles (0.00019%); highest among the groups gnomAD compares: Non-Finnish European, 0.00025%; no homozygotes.

Submissions (3):

Myriad Genetics, Inc.
Classification: Benign for Tumor predisposition syndrome 2. Last evaluated: 2026-06-11. Review status: criteria provided, single submitter. Criteria: Myriad Autosomal Dominant, Autosomal Recessive and X-Linked Classification Criteria (2023). Collection method: clinical testing. Allele origin: unknown.
Comment: This variant is considered benign. This variant is a silent/synonymous amino acid change and it is not expected to impact splicing.

Labcorp Genetics (formerly Invitae), Labcorp
Classification: Likely benign. Last evaluated: 2025-08-13. Review status: criteria provided, single submitter. Criteria: Invitae Variant Classification Sherloc (09022015). Collection method: clinical testing. Allele origin: germline.

Ambry Genetics
Classification: Likely benign for Inborn genetic diseases. Last evaluated: 2025-04-28. Review status: criteria provided, single submitter. Criteria: Ambry Variant Classification Scheme 2023. Collection method: clinical testing. Allele origin: germline.

NM_001276270.2(MBD4):c.681G>A (p.Lys227=)

Gene: MBD4 (methyl-CpG binding domain 4, DNA glycosylase; minus strand). Cytogenetic location: 3q21.3.
Variant type: single nucleotide variant.
Coding change: c.681G>A on transcript NM_001276270.2 (MANE Select); coding-DNA position 681, G replaced by A.
Protein change: p.Lys227=; no amino-acid change (lysine 227 retained).
Molecular consequence: synonymous variant. On other transcripts: intron variant (1).
Genome position (GRCh38, 1-based): chr3:129,436,963, C>T on the plus strand (G>A on the coding strand, the complement: MBD4 is on the minus strand). VCF-style: chr3-129436963-C-T. GRCh37 (hg19) VCF-style: chr3-129155806-C-T.
Other names: c.681G>A, p.Lys227= (NM_001276271.2, NM_001276272.2, NM_003925.3); c.247+845G>A (NM_001276273.2).
Identifiers: ClinVar variation 2696065 (VCV002696065.5), dbSNP rs1191251950, ClinGen allele CA435768237.